The following is an entry in ClinVar:

NM_001297595.2(SIN3B):c.510dup (p.Lys171Ter)

Gene: SIN3B (SIN3 transcription regulator family member B; plus strand). Cytogenetic location: 19p13.11.
Variant type: Duplication.
Coding change: c.510dup on transcript NM_001297595.2 (MANE Select); coding-DNA position 510, one base duplicated (T; older notation c.510dupT).
Protein change: p.Lys171Ter; replaces lysine 171 with a stop codon.
Molecular consequence: nonsense.
Genome position (GRCh38, 1-based): chr19:16,841,896, T duplicated. VCF-style (leftmost placement, unchanged base first): chr19-16841895-A-AT. GRCh37 (hg19) VCF-style: chr19-16952706-A-AT.
Other names: c.510dup, p.Lys171Ter (NM_015260.4); short protein forms K171*.
Identifiers: ClinVar variation 4864522 (VCV004864522.1).

ClinVar aggregate classification (germline): Uncertain significance (1 of 4 stars; one submission).

Submission:

Ambry Genetics
Classification: Uncertain significance. Last evaluated: 2026-06-01. Review status: criteria provided, single submitter. Criteria: Ambry Variant Classification Scheme 2023. Collection method: clinical testing. Allele origin: germline.
Comment: The c.510dupT (p.K171*) alteration, located in exon 4 (coding exon 4) of the SIN3B gene, consists of a duplication of T at position 510, causing a translational frameshift with a predicted alternate stop codon. This variant is expected to result in premature protein truncation or nonsense-mediated mRNA decay. However, loss of function of SIN3B has not been established as a mechanism of disease. This variant was not reported in population-based cohorts in the Genome Aggregation Database (gnomAD). Based on insufficient or conflicting evidence, the clinical significance of this alteration remains unclear.